The following is an entry in ClinVar:

ClinVar aggregate classification (germline): Uncertain significance (1 of 4 stars; one submission).

Conditions:
Inborn genetic diseases. Identifiers: MedGen C0950123, MeSH D030342.

Submission:

Ambry Genetics
Classification: Uncertain significance for Inborn genetic diseases. Last evaluated: 2025-03-27. Review status: criteria provided, single submitter. Criteria: Ambry Variant Classification Scheme 2023. Collection method: clinical testing. Allele origin: germline.
Comment: The p.V457A variant (also known as c.1370T>C), located in coding exon 8 of the MECOM gene, results from a T to C substitution at nucleotide position 1370. The valine at codon 457 is replaced by alanine, an amino acid with similar properties. This amino acid position is conserved. In addition, this alteration is predicted to be tolerated by in silico analysis. Based on the available evidence, the clinical significance of this variant remains unclear.

NM_004991.4(MECOM):c.1370T>C (p.Val457Ala)

Gene: MECOM (MDS1 and EVI1 complex locus; minus strand). Cytogenetic location: 3q26.2.
Variant type: single nucleotide variant.
Coding change: c.1370T>C on transcript NM_004991.4 (MANE Select); coding-DNA position 1370, T replaced by C.
Protein change: p.Val457Ala; replaces valine 457 with alanine.
Molecular consequence: missense variant. On other transcripts: intron variant (2).
Genome position (GRCh38, 1-based): chr3:169,116,502, A>G on the plus strand (T>C on the coding strand, the complement: MECOM is on the minus strand). VCF-style: chr3-169116502-A-G. GRCh37 (hg19) VCF-style: chr3-168834290-A-G.
Other names: c.1001T>C, p.Val334Ala (NM_001105077.4); c.806T>C, p.Val269Ala (NM_001105078.4, NM_001164000.2, NM_001205194.2 and 4 more transcripts); c.809T>C, p.Val270Ala (NM_001163999.2, NM_001366467.2, NM_001366468.2 and 1 more transcripts); c.1370T>C, p.Val457Ala (NM_001366466.2); c.1133-735T>C (NM_001366473.2); c.569-735T>C (NM_001366474.2); short protein forms V269A, V270A, V334A, V457A.
Identifiers: ClinVar variation 4053104 (VCV004053104.1).
Genomic context (GRCh38, chr3:169,116,502, plus strand): 5'-GCAGGATGCCTATTGGCGCCAAAATAGTCAGCAAGGCCCGGGTTGGCATGACTCATATTA[A>G]CCATGGACGTTTTATCCATAGCTGGGGTTCCAGGAAGTGAAATGCCTTGGCCAAAAAATC-3'
Protein context (NP_004982.2, residues 447-467): GTPAMDKTSM[Val457Ala]NMSHANPGLA